The following is an entry in ClinVar:

ClinVar aggregate classification (germline): Likely pathogenic (1 of 4 stars; one submission).

Submission:

GeneDx
Classification: Likely pathogenic. Last evaluated: 2018-02-13. Review status: criteria provided, single submitter. Criteria: GeneDx Variant Classification (06012015). Collection method: clinical testing. Allele origin: germline. Affected: yes.
Comment: The c.1446_1452delCCAAGGCinsTGGA variant has not been published as a pathogenic variant, nor has it been reported as a benign variant to our knowledge. The variant is not observed in large population cohorts (Lek et al., 2016). The variant results in the in-frame deletion of Glutamine 483, which is located within the vWFA2 domain. Variants in this domain have been shown to be associated with an earlier age of hearing loss onset and lack of vestibular dysfunction compared to variants in the LCCL domain (Bae et al., 2014). In-silico analyses, including protein predictors and evolutionary conservation, support a deleterious effect. In summary, this variant is likely pathogenic; however, the possibility that it is benign cannot be excluded.

NM_004086.3(COCH):c.1446_1452delinsTGGA (p.Gln483del)

Genes: COCH (cochlin; plus strand), LOC100506071 (uncharacterized LOC100506071; minus strand). Cytogenetic location: 14q12.
Variant type: Indel.
Coding change: c.1446_1452delinsTGGA on transcript NM_004086.3 (MANE Select); coding-DNA positions 1446 to 1452, CCAAGGC replaced by TGGA.
Protein change: p.Gln483del; deletes glutamine 483.
Molecular consequence: inframe deletion. On other transcripts: non-coding transcript variant (1).
Genome position (GRCh38, 1-based): chr14:30,886,281-30,886,287, CCAAGGC replaced by TGGA. VCF-style: chr14-30886281-CCAAGGC-TGGA. GRCh37 (hg19) VCF-style: chr14-31355487-CCAAGGC-TGGA.
Other names: c.1446_1452delinsTGGA, p.Gln483del (NM_001135058.2); c.1641_1647delinsTGGA, p.Gln548del (NM_001347720.2); short protein forms Q483del, Q548del.
Identifiers: ClinVar variation 504332 (VCV000504332.1), dbSNP rs1555311971, ClinGen allele CA658798202.